The following is an entry in ClinVar:

NM_005359.5(SMAD4):c.1571_1574delGGATins19 (p.?)

Gene: SMAD4 (SMAD family member 4; plus strand). Cytogenetic location: 18q21.2.
Variant type: Indel.
Coding change: c.1571_1574delGGATins19 on transcript NM_005359.5; coding-DNA positions 1571 to 1574, 4 bases deleted.
Protein change: p.?.
Identifiers: ClinVar variation 186002 (VCV000186002.2).

ClinVar aggregate classification (germline): Uncertain significance (1 of 4 stars; one submission).

Conditions:
Hereditary cancer-predisposing syndrome. Also called: Hereditary neoplastic syndrome; Neoplastic Syndromes, Hereditary; Tumor predisposition; Hereditary Cancer Syndrome. Identifiers: Orphanet 140162, MedGen C0027672, MeSH D009386, MONDO:0015356.

Submission:

Ambry Genetics
Classification: Uncertain significance for Hereditary cancer-predisposing syndrome. Last evaluated: 2014-08-12. Review status: criteria provided, single submitter. Criteria: Ambry Autosomal Dominant and X-Linked criteria (10/2015). Collection method: clinical testing. Allele origin: germline. Observed: 1 variant allele.
Comment: Lines of evidence used in support of classification: Detected in individual satisfying established diagnostic critera for classic disease without a clear mutation,Insufficient or conflicting evidence